The following is an entry in ClinVar:

ClinVar aggregate classification (germline): Benign. Review status: criteria provided, multiple submitters, no conflicts (2 of 4 stars). 8 submissions from 8 submitters: Benign (8). Last evaluated 2026-02-03.

Conditions:
Early-infantile DEE. Also called: Early infantile epileptic encephalopathy; Ohtahara syndrome; Early infantile epileptic encephalopathy with suppression bursts. Identifiers: Orphanet 1934, MedGen C0393706, MONDO:0800491.
Inborn genetic diseases. Identifiers: MedGen C0950123, MeSH D030342.
Developmental and epileptic encephalopathy, 5 (DEE5). Identifiers: Orphanet 3451, MedGen C3150731, MONDO:0013277, OMIM 613477.

Allele frequency attached by ClinVar (database versions not stated): gnomAD exomes 0.00210 and 0.00550; ExAC 0.00675; 1000 Genomes Project 0.01997; 1000 Genomes Project 30x 0.02077; gnomAD 0.02118 and 0.02288; ESP Exome Variant Server 0.02468; TOPMed 0.02478.
gnomAD v4.1: 6,443 of 1,614,044 alleles (0.4%); highest among the groups gnomAD compares: African/African-American, 7.5%; 218 homozygotes.

Submissions (8):

Labcorp Genetics (formerly Invitae), Labcorp
Classification: Benign for Early-infantile DEE. Last evaluated: 2026-02-03. Review status: criteria provided, single submitter. Criteria: Invitae Variant Classification Sherloc (09022015). Collection method: clinical testing. Allele origin: germline.

Athena Diagnostics
Classification: Benign. Last evaluated: 2023-11-02. Review status: criteria provided, single submitter. Criteria: Athena Diagnostics Criteria. Collection method: clinical testing. Allele origin: unknown.

Mayo Clinic Laboratories, Mayo Clinic
Classification: Benign. Last evaluated: 2023-05-28. Review status: criteria provided, single submitter. Criteria: ACMG Guidelines, 2015. Collection method: clinical testing. Allele origin: germline. Observed: 16 variant alleles.

Genome-Nilou Lab
Classification: Benign for Developmental and epileptic encephalopathy, 5. Last evaluated: 2021-07-15. Review status: criteria provided, single submitter. Criteria: ACMG Guidelines, 2015. Collection method: clinical testing. Allele origin: germline. Affected: no.

Ambry Genetics
Classification: Benign for Inborn genetic diseases. Last evaluated: 2016-04-18. Review status: criteria provided, single submitter. Criteria: Ambry Variant Classification Scheme 2023. Collection method: clinical testing. Allele origin: germline.

Genetic Services Laboratory, University of Chicago
Classification: Benign. Last evaluated: 2013-02-08. Review status: criteria provided, single submitter. Criteria: ACMG Guidelines, 2007. Collection method: clinical testing. Allele origin: germline. Inheritance: Autosomal dominant inheritance.

GeneDx
Classification: Benign. Last evaluated: 2012-05-14. Review status: criteria provided, single submitter. Criteria: GeneDx Variant Classification (06012015). Collection method: clinical testing. Allele origin: germline. Affected: yes.
Comment: This variant is considered likely benign or benign based on one or more of the following criteria: it is a conservative change, it occurs at a poorly conserved position in the protein, it is predicted to be benign by multiple in silico algorithms, and/or has population frequency not consistent with disease.

Breakthrough Genomics
Classification: Benign. Review status: criteria provided, single submitter. Criteria: ACMG Guidelines, 2015. Collection method: not provided. Allele origin: germline. Inheritance: Autosomal dominant inheritance. Affected: yes.

NM_001130438.3(SPTAN1):c.3300G>A (p.Ala1100=)

Gene: SPTAN1 (spectrin alpha, non-erythrocytic 1; plus strand). Cytogenetic location: 9q34.11.
Variant type: single nucleotide variant.
Coding change: c.3300G>A on transcript NM_001130438.3 (MANE Select); coding-DNA position 3300, G replaced by A.
Protein change: p.Ala1100=; no amino-acid change (alanine 1100 retained).
Molecular consequence: synonymous variant.
Genome position (GRCh38, 1-based): chr9:128,594,259, G>A. VCF-style: chr9-128594259-G-A. GRCh37 (hg19) VCF-style: chr9-131356538-G-A.
Other names: p.A1100A:GCG>GCA; p.Ala1100=; c.3240G>A, p.Ala1080= (NM_001195532.2, NM_001363765.2); c.3300G>A, p.Ala1100= (NM_001363759.2, NM_003127.4).
Identifiers: ClinVar variation 139283 (VCV000139283.25), dbSNP rs2227865, ClinGen allele CA295181.